The following is an entry in ClinVar:

ClinVar aggregate classification (germline): Pathogenic/Likely pathogenic. Review status: criteria provided, multiple submitters, no conflicts (2 of 4 stars). 4 submissions from 4 submitters: Pathogenic (3); Likely pathogenic (1). Last evaluated 2026-03-22.

Conditions:
Bethlem myopathy 1A. Also called: Bethlem Muscular Dystrophy; MYOPATHY, BENIGN CONGENITAL, WITH CONTRACTURES; Bethlem myopathy 1. Identifiers: Orphanet 610, MedGen CN029274, MONDO:0024530, OMIM 158810.

Allele frequency attached by ClinVar (database versions not stated): gnomAD exomes below 0.00001.
gnomAD v4.1: 1 of 1,613,148 alleles (0.000062%); no homozygotes.

Submissions (4):

Dasa
Classification: Likely pathogenic. Last evaluated: 2026-03-22. Review status: criteria provided, single submitter. Criteria: DASA Assertion Criteria. Collection method: clinical testing. Allele origin: germline.
Comment: NM_001848.3(COL6A1):c.903+1G>T affects a canonical splice site and is predicted to disrupt normal RNA splicing. Loss of function is an established disease mechanism for COL6A1-associated disorders. This variant has been reported as a de novo occurrence in an affected individual (PMID: 29419890). Published studies describe this variant in association with related phenotype (PMID: 29419890). Also, this variant is rare in population databases. Based on the currently available evidence, this variant is classified as likely pathogenic.

Labcorp Genetics (formerly Invitae), Labcorp
Classification: Pathogenic for Bethlem myopathy 1A. Last evaluated: 2024-10-31. Review status: criteria provided, single submitter. Criteria: Invitae Variant Classification Sherloc (09022015). Collection method: clinical testing. Allele origin: germline.
Comment: This sequence change affects a donor splice site in intron 10 of the COL6A1 gene. It is expected to disrupt RNA splicing. Variants that disrupt the donor or acceptor splice site typically lead to a loss of protein function (PMID: 16199547), and loss-of-function variants in COL6A1 are known to be disease-causing for autosomal recessive COL6A1-related conditions (PMID: 21280092, 20976770). However, certain variants affecting donor or acceptor splice sites in the triple helical domain of COL6A1 are expected to result in in-frame exon skipping and have been reported to cause autosomal dominant COL6A1-related conditions (PMID: 18366090). This variant is not present in population databases (gnomAD no frequency). Disruption of this splice site has been observed in individual(s) with Bethlem myopathy (PMID: 29419890). In at least one individual the variant was observed to be de novo. ClinVar contains an entry for this variant (Variation ID: 596078). Algorithms developed to predict the effect of sequence changes on RNA splicing suggest that this variant may disrupt the consensus splice site. For these reasons, this variant has been classified as Pathogenic.

Revvity Omics, Revvity
Classification: Pathogenic. Last evaluated: 2019-06-14. Review status: criteria provided, single submitter. Criteria: ACMG Guidelines, 2015. Collection method: clinical testing. Allele origin: germline.

Eurofins Ntd Llc (ga)
Classification: Pathogenic. Last evaluated: 2018-02-13. Review status: criteria provided, single submitter. Criteria: EGL ClinVar v180209 classification definitions. Collection method: clinical testing. Allele origin: germline. Observed: 1 variant allele, 1 heterozygote.

Literature cited by the submitters: PubMed 29419890 (cited by Dasa and Labcorp Genetics (formerly Invitae), Labcorp); PubMed 16199547 (cited by Labcorp Genetics (formerly Invitae), Labcorp); PubMed 21280092 (cited by Labcorp Genetics (formerly Invitae), Labcorp); PubMed 20976770 (cited by Labcorp Genetics (formerly Invitae), Labcorp); PubMed 18366090 (cited by Labcorp Genetics (formerly Invitae), Labcorp).

NM_001848.3(COL6A1):c.903+1G>T

Gene: COL6A1 (collagen type VI alpha 1 chain; plus strand). Cytogenetic location: 21q22.3.
Variant type: single nucleotide variant.
Coding change: c.903+1G>T on transcript NM_001848.3 (MANE Select); the canonical splice donor site of the intron after coding-DNA position 903, G replaced by T.
Molecular consequence: splice donor variant.
Genome position (GRCh38, 1-based): chr21:45,989,653, G>T. VCF-style: chr21-45989653-G-T. GRCh37 (hg19) VCF-style: chr21-47409567-G-T.
Identifiers: ClinVar variation 596078 (VCV000596078.18), dbSNP rs1569518119, ClinGen allele CA410521883.
Genomic context (GRCh38, chr21:45,989,653, plus strand): 5'-CCTCCTGTGTTCCAGGGAAGACCCGGGGACCTCGGACCTGTTGGGTACCAGGGAATGAAG[G>T]TACGTGCCCCCCCTTTCCTGGCCCGAGCCCGGTGGTGCCCTCAGCCTTGCACAGCACTAA-3'